The following is an entry in ClinVar:

NM_001379500.1(COL18A1):c.3633G>C (p.Gln1211His)

Genes: COL18A1 (collagen type XVIII alpha 1 chain; plus strand), SLC19A1 (solute carrier family 19 member 1; minus strand). Cytogenetic location: 21q22.3.
Variant type: single nucleotide variant.
Coding change: c.3633G>C on transcript NM_001379500.1 (MANE Select); coding-DNA position 3633, G replaced by C.
Protein change: p.Gln1211His; replaces glutamine 1211 with histidine.
Molecular consequence: missense variant.
Genome position (GRCh38, 1-based): chr21:45,510,201, G>C. VCF-style: chr21-45510201-G-C. GRCh37 (hg19) VCF-style: chr21-46930115-G-C.
Other names: NM_130445.2:c.3624G>C; c.4164G>C, p.Gln1388His (NM_030582.4); c.4869G>C, p.Gln1623His (NM_130444.3); short protein forms Q1211H, Q1388H, Q1623H.
Identifiers: ClinVar variation 4828906 (VCV004828906.1).

ClinVar aggregate classification (germline): Uncertain significance (1 of 4 stars; one submission).

Conditions:
Inborn genetic diseases. Identifiers: MedGen C0950123, MeSH D030342.

Submission:

Ambry Genetics
Classification: Uncertain significance for Inborn genetic diseases. Last evaluated: 2026-02-26. Review status: criteria provided, single submitter. Criteria: Ambry Variant Classification Scheme 2023. Collection method: clinical testing. Allele origin: germline.
Comment: The c.3624G>C (p.Q1208H) alteration is located in exon 40 (coding exon 40) of the COL18A1 gene. This alteration results from a G to C substitution at nucleotide position 3624, causing the glutamine (Q) at amino acid position 1208 to be replaced by a histidine (H). Based on data from gnomAD, the C allele has an overall frequency of 0.003% (8/245414) total alleles studied. The highest observed frequency was 0.018% (6/33152) of Latino alleles. Based on insufficient or conflicting evidence, the clinical significance of this alteration remains unclear.